The following is an entry in ClinVar:

ClinVar aggregate classification (germline): Uncertain significance (1 of 4 stars; one submission).

gnomAD v4.1: 3 of 1,613,698 alleles (0.00019%); highest among the groups gnomAD compares: Non-Finnish European, 0.00017%; no homozygotes.

Submission:

GeneDx
Classification: Uncertain significance. Last evaluated: 2023-01-10. Review status: criteria provided, single submitter. Criteria: GeneDx Variant Classification Process June 2021. Collection method: clinical testing. Allele origin: germline. Affected: yes.
Comment: Not observed at significant frequency in large population cohorts (gnomAD); In silico analysis supports that this missense variant does not alter protein structure/function; Has not been previously published as pathogenic or benign to our knowledge

NM_013275.6(ANKRD11):c.1277T>A (p.Leu426Gln)

Gene: ANKRD11 (ankyrin repeat domain containing 11; minus strand). Cytogenetic location: 16q24.3.
Variant type: single nucleotide variant.
Coding change: c.1277T>A on transcript NM_013275.6 (MANE Select); coding-DNA position 1277, T replaced by A.
Protein change: p.Leu426Gln; replaces leucine 426 with glutamine.
Molecular consequence: missense variant.
Genome position (GRCh38, 1-based): chr16:89,285,265, A>T on the plus strand (T>A on the coding strand, the complement: ANKRD11 is on the minus strand). VCF-style: chr16-89285265-A-T. GRCh37 (hg19) VCF-style: chr16-89351673-A-T.
Other names: c.1277T>A, p.Leu426Gln (NM_001256182.2, NM_001256183.2); short protein forms L426Q.
Identifiers: ClinVar variation 2571990 (VCV002571990.1), dbSNP rs1172330880, ClinGen allele CA397165301.